The following is an entry in ClinVar:

ClinVar aggregate classification (germline): Uncertain significance (1 of 4 stars; one submission).

Conditions:
Neuronal ceroid lipofuscinosis 7 (CLN7). Also called: MFSD8-Related Neuronal Ceroid-Lipofuscinosis. Identifiers: Orphanet 168491, Orphanet 228366, MedGen C1838571, MONDO:0012588, OMIM 610951.

Allele frequency attached by ClinVar (database versions not stated): gnomAD exomes below 0.00001; TOPMed below 0.00001; gnomAD 0.00001.
gnomAD v4.1: 2 of 1,609,516 alleles (0.00012%); highest among the groups gnomAD compares: Non-Finnish European, 0.00017%; no homozygotes.

Submission:

Labcorp Genetics (formerly Invitae), Labcorp
Classification: Uncertain significance for Neuronal ceroid lipofuscinosis 7. Last evaluated: 2022-07-06. Review status: criteria provided, single submitter. Criteria: Invitae Variant Classification Sherloc (09022015). Collection method: clinical testing. Allele origin: germline.
Comment: This sequence change replaces threonine, which is neutral and polar, with serine, which is neutral and polar, at codon 45 of the MFSD8 protein (p.Thr45Ser). This variant is not present in population databases (gnomAD no frequency). This variant has not been reported in the literature in individuals affected with MFSD8-related conditions. ClinVar contains an entry for this variant (Variation ID: 1420038). Algorithms developed to predict the effect of missense changes on protein structure and function are either unavailable or do not agree on the potential impact of this missense change (SIFT: "Tolerated"; PolyPhen-2: "Probably Damaging"; Align-GVGD: "Class C0"). In summary, the available evidence is currently insufficient to determine the role of this variant in disease. Therefore, it has been classified as a Variant of Uncertain Significance.

NM_001371596.2(MFSD8):c.133A>T (p.Thr45Ser)

Gene: MFSD8 (major facilitator superfamily domain containing 8; minus strand). Cytogenetic location: 4q28.2.
Variant type: single nucleotide variant.
Coding change: c.133A>T on transcript NM_001371596.2 (MANE Select); coding-DNA position 133, A replaced by T.
Protein change: p.Thr45Ser; replaces threonine 45 with serine.
Molecular consequence: missense variant. On other transcripts: 5 prime UTR variant (1).
Genome position (GRCh38, 1-based): chr4:127,957,522, T>A on the plus strand (A>T on the coding strand, the complement: MFSD8 is on the minus strand). VCF-style: chr4-127957522-T-A. GRCh37 (hg19) VCF-style: chr4-128878677-T-A.
Other names: c.133A>T, p.Thr45Ser (NM_001363520.3, NM_001363521.3, NM_001371591.2 and 5 more transcripts); c.-3A>T (NM_001371590.2, NM_001371595.1, NM_001410765.1); short protein forms T45S.
Identifiers: ClinVar variation 1420038 (VCV001420038.4), dbSNP rs1743087138, ClinGen allele CA358165040.
Genomic context (GRCh38, chr4:127,957,522, plus strand): 5'-TGATCTGAATTGTTAAAATTATGTATTTCTAATACTTACCTACACTGCTGAGAAACATAG[T>A]AAGATATAAAATCCTAATAGATCTCCATCGGCTCTTATAATGCTCTTCAGTCTCTAAAAT-3'
Protein context (NP_001358525.1, residues 35-55): RWRSIRILYL[Thr45Ser]MFLSSVGFSV